The following is an entry in ClinVar:

ClinVar aggregate classification (germline): Uncertain significance (1 of 4 stars; one submission).

Conditions:
Deafness-lymphedema-leukemia syndrome. Also called: Lymphedema, primary, with myelodysplasia; Emberger syndrome. Identifiers: Orphanet 3226, MedGen C3279664, MONDO:0013540, OMIM 614038.
Monocytopenia with susceptibility to infections. Also called: MONOCYTOPENIA AND MYCOBACTERIAL INFECTION SYNDROME; MONOCYTOPENIA WITH SUSCEPTIBILITY TO MYCOBACTERIAL, FUNGAL, AND PAPILLOMAVIRUS INFECTIONS AND MYELODYSPLASIA; COMBINED IMMUNODEFICIENCY WITH SUSCEPTIBILITY TO MYCOBACTERIAL, VIRAL, AND FUNGAL INFECTIONS; Dendritic cell, monocyte, B lymphocyte, and natural killer lymphocyte deficiency; IMMUNODEFICIENCY 21; GATA2 DEFICIENCY. Identifiers: Orphanet 228423, MedGen C3280030, MONDO:0013607, OMIM 614172.

Submission:

Labcorp Genetics (formerly Invitae), Labcorp
Classification: Uncertain significance for Monocytopenia with susceptibility to infections; Deafness-lymphedema-leukemia syndrome. Last evaluated: 2023-01-14. Review status: criteria provided, single submitter. Criteria: Invitae Variant Classification Sherloc (09022015). Collection method: clinical testing. Allele origin: germline.
Comment: This variant has not been reported in the literature in individuals affected with GATA2-related conditions. This variant is not present in population databases (gnomAD no frequency). This variant, c.1027_1041del, results in the deletion of 5 amino acid(s) of the GATA2 protein (p.Arg343_Thr347del), but otherwise preserves the integrity of the reading frame. Experimental studies and prediction algorithms are not available or were not evaluated, and the functional significance of this variant is currently unknown. In summary, the available evidence is currently insufficient to determine the role of this variant in disease. Therefore, it has been classified as a Variant of Uncertain Significance.

NM_032638.5(GATA2):c.1027_1041del (p.Arg343_Thr347del)

Gene: GATA2 (GATA binding protein 2; minus strand). Cytogenetic location: 3q21.3.
Variant type: Deletion.
Coding change: c.1027_1041del on transcript NM_032638.5 (MANE Select); coding-DNA positions 1027 to 1041, 15 bases deleted (AGAAGAGCCGGCACC).
Protein change: p.Arg343_Thr347del.
Molecular consequence: inframe deletion. On other transcripts: intron variant (1).
Genome position (GRCh38, 1-based): chr3:128,481,921-128,481,935, GGTGCCGGCTCTTCT deleted on the plus strand (AGAAGAGCCGGCACC on the coding strand, the reverse complement: GATA2 is on the minus strand); deleting any 15 consecutive bases within chr3:128,481,921-128,481,937 gives the same sequence; the c. name uses the placement nearest the transcript's 3' end. VCF-style (leftmost placement, unchanged base first): chr3-128481920-AGGTGCCGGCTCTTCT-A. GRCh37 (hg19) VCF-style: chr3-128200763-AGGTGCCGGCTCTTCT-A.
Other names: c.1027_1041del, p.Arg343_Thr347del (NM_001145661.2); c.1018-33_1018-19del (NM_001145662.1).
Identifiers: ClinVar variation 2943173 (VCV002943173.3), dbSNP rs2472921107, ClinGen allele CA2740090995.
Genomic context (GRCh38, chr3:128,481,920, plus strand): 5'-GGTCCCCGTTGGCGTTTCGGCGCCATAAGGTGGTGGTTGTCGTCTGACAATTTGCACAAC[AGGTGCCGGCTCTTCT>A]GGCGGCCGACTGGGAGGGCAAGGCAGCGTCAGCAGGCTGGACTCCCACGCCCACCTCGAC-3'